The following is an entry in ClinVar:

NM_006265.3(RAD21):c.1402A>G (p.Met468Val)

Gene: RAD21 (RAD21 cohesin complex component; minus strand). Cytogenetic location: 8q24.11.
Variant type: single nucleotide variant.
Coding change: c.1402A>G on transcript NM_006265.3 (MANE Select); coding-DNA position 1402, A replaced by G.
Protein change: p.Met468Val; replaces methionine 468 with valine.
Molecular consequence: missense variant.
Genome position (GRCh38, 1-based): chr8:116,852,016, T>C on the plus strand (A>G on the coding strand, the complement: RAD21 is on the minus strand). VCF-style: chr8-116852016-T-C. GRCh37 (hg19) VCF-style: chr8-117864255-T-C.
Other names: short protein forms M468V.
Identifiers: ClinVar variation 3659956 (VCV003659956.2).

ClinVar aggregate classification (germline): Uncertain significance (1 of 4 stars; one submission).

Conditions:
Cornelia de Lange syndrome 4 (CDLS4). Also called: RAD21-Related Cornelia de Lange Syndrome; CORNELIA DE LANGE SYNDROME 4 WITH OR WITHOUT MIDLINE BRAIN DEFECTS. Identifiers: Orphanet 199, MedGen C3553517, MONDO:0013864, OMIM 614701.

gnomAD v4.1: 17 of 1,613,198 alleles (0.0011%); highest among the groups gnomAD compares: Admixed American, 0.01%; no homozygotes.

Submission:

Labcorp Genetics (formerly Invitae), Labcorp
Classification: Uncertain significance for Cornelia de Lange syndrome 4. Last evaluated: 2024-11-14. Review status: criteria provided, single submitter. Criteria: Invitae Variant Classification Sherloc (09022015). Collection method: clinical testing. Allele origin: germline.
Comment: This sequence change replaces methionine, which is neutral and non-polar, with valine, which is neutral and non-polar, at codon 468 of the RAD21 protein (p.Met468Val). This variant is present in population databases (rs778278679, gnomAD 0.01%). This variant has not been reported in the literature in individuals affected with RAD21-related conditions. Invitae Evidence Modeling of protein sequence and biophysical properties (such as structural, functional, and spatial information, amino acid conservation, physicochemical variation, residue mobility, and thermodynamic stability) indicates that this missense variant is not expected to disrupt RAD21 protein function with a negative predictive value of 95%. In summary, the available evidence is currently insufficient to determine the role of this variant in disease. Therefore, it has been classified as a Variant of Uncertain Significance.